The following is an entry in ClinVar:

NM_001161352.2(KCNMA1):c.1680C>A (p.Ala560=)

Gene: KCNMA1 (potassium calcium-activated channel subfamily M alpha 1; minus strand). Cytogenetic location: 10q22.3.
Variant type: single nucleotide variant.
Coding change: c.1680C>A on transcript NM_001161352.2 (MANE Select); coding-DNA position 1680, C replaced by A.
Protein change: p.Ala560=; no amino-acid change (alanine 560 retained).
Molecular consequence: synonymous variant.
Genome position (GRCh38, 1-based): chr10:77,073,166, G>T on the plus strand (C>A on the coding strand, the complement: KCNMA1 is on the minus strand). VCF-style: chr10-77073166-G-T. GRCh37 (hg19) VCF-style: chr10-78832924-G-T.
Other names: c.1680C>A, p.Ala560= (NM_001014797.3, NM_001161353.2, NM_001271519.2 and 7 more transcripts); c.1518C>A, p.Ala506= (NM_001271518.2); c.1140C>A, p.Ala380= (NM_001322838.2).
Identifiers: ClinVar variation 129320 (VCV000129320.26), dbSNP rs2229008, ClinGen allele CA153269.

ClinVar aggregate classification (germline): Conflicting classifications of pathogenicity. Review status: criteria provided, conflicting classifications (1 of 4 stars). 6 submissions from 6 submitters: Uncertain significance (1); Benign (1); Likely benign (2). 2 of the submissions do not count toward it. Last evaluated 2026-02-03.

Conditions:
Generalized epilepsy-paroxysmal dyskinesia syndrome (PNKD3). Also called: Paroxysmal nonkinesigenic dyskinesia, 3, with or without generalized epilepsy; Generalized epilepsy and paroxysmal dyskinesia. Identifiers: Orphanet 79137, MedGen C5574945, MONDO:0012276, OMIM 609446.
KCNMA1-related disorder. Also called: KCNMA1-related disorders; KCNMA1-related condition.

Allele frequency attached by ClinVar (database versions not stated): gnomAD 0.00003; gnomAD exomes 0.00006 and 0.00015; TOPMed 0.00010; ExAC 0.00012; 1000 Genomes Project 30x 0.00016; 1000 Genomes Project 0.00020.
gnomAD v4.1: 140 of 1,614,188 alleles (0.0087%); highest among the groups gnomAD compares: East Asian, 0.18%; 3 homozygotes.

Submissions (6):

Labcorp Genetics (formerly Invitae), Labcorp
Classification: Benign for Generalized epilepsy-paroxysmal dyskinesia syndrome. Last evaluated: 2026-02-03. Review status: criteria provided, single submitter. Criteria: Invitae Variant Classification Sherloc (09022015). Collection method: clinical testing. Allele origin: germline.

Blueprint Genetics
Classification: Likely benign. Last evaluated: 2024-06-12. Review status: criteria provided, single submitter. Criteria: ACMG Guidelines, 2015. Collection method: clinical testing. Allele origin: germline.

GeneDx
Classification: Likely benign. Last evaluated: 2020-05-04. Review status: criteria provided, single submitter. Criteria: GeneDx Variant Classification Process June 2021. Collection method: clinical testing. Allele origin: germline. Affected: yes.
Comment: In silico analysis, which includes splice predictors and evolutionary conservation, supports that this variant does not alter protein structure/function; Has not been previously published as pathogenic or benign to our knowledge

Eurofins Ntd Llc (ga)
Classification: Uncertain significance. Last evaluated: 2015-08-21. Review status: criteria provided, single submitter. Criteria: EGL Classification Definitions 2015. Collection method: clinical testing. Allele origin: germline. Observed: 1 variant allele, 1 heterozygote.

PreventionGenetics, part of Exact Sciences
Classification: Likely benign for KCNMA1-related condition. Last evaluated: 2024-06-20. Review status: no assertion criteria provided. Collection method: clinical testing. Allele origin: germline. Not counted in ClinVar's aggregate classification.
Comment: This variant is classified as likely benign based on ACMG/AMP sequence variant interpretation guidelines (Richards et al. 2015 PMID: 25741868, with internal and published modifications).

Genetic Services Laboratory, University of Chicago
Classification: Likely benign for AllHighlyPenetrant. Review status: no assertion criteria provided. Collection method: clinical testing. Allele origin: germline. Inheritance: Autosomal dominant inheritance. Not counted in ClinVar's aggregate classification.
Comment: Likely benign based on allele frequency in 1000 Genomes Project or ESP global frequency and its presence in a patient with a rare or unrelated disease phenotype. NOT Sanger confirmed.